The following is an entry in ClinVar:

NM_002599.5(PDE2A):c.112C>T (p.Pro38Ser)

Gene: PDE2A (phosphodiesterase 2A; minus strand). Cytogenetic location: 11q13.4.
Variant type: single nucleotide variant.
Coding change: c.112C>T on transcript NM_002599.5 (MANE Select); coding-DNA position 112, C replaced by T.
Protein change: p.Pro38Ser; replaces proline 38 with serine.
Molecular consequence: missense variant. On other transcripts: 5 prime UTR variant (1).
Genome position (GRCh38, 1-based): chr11:72,642,286, G>A on the plus strand (C>T on the coding strand, the complement: PDE2A is on the minus strand). VCF-style: chr11-72642286-G-A. GRCh37 (hg19) VCF-style: chr11-72353330-G-A.
Other names: c.91C>T, p.Pro31Ser (NM_001143839.4); c.85C>T, p.Pro29Ser (NM_001146209.3); c.-14C>T (NM_001243784.2); short protein forms P29S, P31S, P38S.
Identifiers: ClinVar variation 4697781 (VCV004697781.1).

ClinVar aggregate classification (germline): Uncertain significance (1 of 4 stars; one submission).

Submission:

Labcorp Genetics (formerly Invitae), Labcorp
Classification: Uncertain significance. Last evaluated: 2025-07-08. Review status: criteria provided, single submitter. Criteria: Invitae Variant Classification Sherloc (09022015). Collection method: clinical testing. Allele origin: germline.
Comment: This sequence change replaces proline, which is neutral and non-polar, with serine, which is neutral and polar, at codon 38 of the PDE2A protein (p.Pro38Ser). This variant is present in population databases (no rsID available, gnomAD 0.005%). This variant has not been reported in the literature in individuals affected with PDE2A-related conditions. An algorithm developed to predict the effect of missense changes on protein structure and function (PolyPhen-2) suggests that this variant is likely to be tolerated. In summary, the available evidence is currently insufficient to determine the role of this variant in disease. Therefore, it has been classified as a Variant of Uncertain Significance.